The following is an entry in ClinVar:

NM_000138.5(FBN1):c.2001_2002del (p.Gly668fs)

Gene: FBN1 (fibrillin 1; minus strand). Cytogenetic location: 15q21.1.
Variant type: Microsatellite.
Coding change: c.2001_2002del on transcript NM_000138.5 (MANE Select); coding-DNA positions 2001 to 2002, 2 bases deleted (AG; older notation c.2001_2002delAG).
Protein change: p.Gly668fs; shifts the reading frame from glycine 668.
Molecular consequence: frameshift variant.
Genome position (GRCh38, 1-based): chr15:48,503,898-48,503,899, CT deleted on the plus strand (AG on the coding strand, the reverse complement: FBN1 is on the minus strand); deleting any 2 consecutive bases within chr15:48,503,898-48,503,903 gives the same sequence; the c. name uses the placement nearest the transcript's 3' end. VCF-style (leftmost placement, unchanged base first): chr15-48503897-CCT-C. GRCh37 (hg19) VCF-style: chr15-48796094-CCT-C.
Other names: c.2001_2002del, p.Gly668fs (NM_001406716.1); short protein forms G668fs.
Identifiers: ClinVar variation 3390004 (VCV003390004.14).

ClinVar aggregate classification (germline): Pathogenic (1 of 4 stars; one submission).

Submission:

CeGaT Center for Human Genetics Tuebingen
Classification: Pathogenic. Last evaluated: 2024-10-01. Review status: criteria provided, single submitter. Criteria: CeGaT Center For Human Genetics Tuebingen Variant Classification Criteria Version 2. Collection method: clinical testing. Allele origin: germline. Affected: yes. Observed: 1 variant allele.
Comment: FBN1: PVS1, PM2